The following is an entry in ClinVar:

NM_000018.4(ACADVL):c.1193_1194insGCA (p.Tyr398Ter)

Gene: ACADVL (acyl-CoA dehydrogenase very long chain; plus strand). Cytogenetic location: 17p13.1.
Variant type: Insertion.
Coding change: c.1193_1194insGCA on transcript NM_000018.4 (MANE Select); coding-DNA positions 1193 to 1194, GCA inserted.
Protein change: p.Tyr398Ter; replaces tyrosine 398 with a stop codon.
Molecular consequence: nonsense.
Genome position: GRCh38 VCF-style: chr17-7223653-T-TAGC. GRCh37 (hg19) VCF-style: chr17-7126972-T-TAGC.
Other names: NM_000018.4(ACADVL):c.1193_1194insGCA; p.Tyr398Ter; c.1127_1128insGCA, p.Tyr376Ter (NM_001033859.3); c.1262_1263insGCA, p.Tyr421Ter (NM_001270447.2); c.965_966insGCA, p.Tyr322Ter (NM_001270448.2); short protein forms Y398*, Y322*, Y376*, Y421*.
Identifiers: ClinVar variation 932851 (VCV000932851.3), dbSNP rs2071337202, ClinGen allele CA1139665148.
Genomic context (GRCh38, chr17:7,223,653, plus strand): 5'-GACAAAGCCCTTTGCAATTTTCCTTCCCATGTCCCAACTATGCAACCTCAGTCCATGGCT[T>TAGC]ACATGGTGAGTGCTAACATGGACCAGGGAGCCACGGACTTCCAGATAGAGGCCGCCATCA-3'

ClinVar aggregate classification (germline): Pathogenic. Review status: reviewed by expert panel (3 of 4 stars). 2 submissions from 2 submitters: Pathogenic (1). 1 of the submissions does not count toward it. Last evaluated 2022-12-14.

Conditions:
Very long chain acyl-CoA dehydrogenase deficiency (ACADVLD). Also called: Very Long-Chain Acyl-Coenzyme A Dehydrogenase Deficiency; VLCAD Deficiency. Identifiers: Orphanet 26793, MedGen C3887523, MONDO:0008723, OMIM 201475.

Submissions (2):

ClinGen ACADVL Variant Curation Expert Panel, ClinGen
Classification: Pathogenic for Very long chain acyl-CoA dehydrogenase deficiency. Last evaluated: 2022-12-14. Review status: reviewed by expert panel. Criteria: clingen acadvl acmg specifications v1. Collection method: curation. Allele origin: germline. Inheritance: Autosomal recessive inheritance.
Comment: The c.1193_1194insGCA; (p.Tyr398delinsTer) variant in ACADVL is a insertion variant predicted to cause an immediate premature stop codon in biologically-relevant-exon 12/20 leading to nonsense mediated decay in a gene in which loss-of-function is an established disease mechanism (PVS1; PMIDs 9973285, 11590124). At least one individual with this variant was identified by newborn screen, but this information is insufficient to use toward classification (PMID: 26385305). The same amino acid change (p.Tyr398Ter), resulting from a different nucleotide change (c.1194C>A), is classified as pathogenic for very long chain acyl CoA dehydrogenase (VLCAD) deficiency by the ClinGen ACADVL Variant Curation Expert Panel (PS1; PMID: 10529389, ClinVar ID: 810875). This variant is absent from gnomAD v2.1.1 (PM2_Supporting). In summary, this variant meets the criteria to be classified as pathogenic for autosomal recessive very long chain acyl-CoA dehydrogenase (VLCAD) deficiency based on the ACMG/AMP criteria applied, as specified by the ClinGen ACADVL Variant Curation Expert Panel: PVS1, PS1, PM2_Supporting (ACADVL VCEP specifications version 1; approved November 8, 2021).

Wong Mito Lab, Molecular and Human Genetics, Baylor College of Medicine
Classification: Pathogenic for Very long chain acyl-CoA dehydrogenase deficiency. Last evaluated: 2019-11-01. Review status: criteria provided, single submitter. Criteria: ACMG Guidelines, 2015. Collection method: clinical testing. Allele origin: germline. Not counted in ClinVar's aggregate classification.
Comment: The NM_000018.3:c.1193_1194insGCA (NP_000009.1:p.Tyr398Ter) [GRCH38: NC_000017.11:g.7223654_7223655insGCA] variant in ACADVL gene is interpretated to be Pathogenic based on ACMG guidelines (PMID: 25741868). This variant has been reported. This variant meets the following evidence codes reported in the ACMG guidelines: PVS1, PS3